The following is an entry in ClinVar:

NM_138927.4(SON):c.5397T>C (p.Thr1799=)

Gene: SON (SON DNA and RNA binding protein; plus strand). Cytogenetic location: 21q22.11.
Variant type: single nucleotide variant.
Coding change: c.5397T>C on transcript NM_138927.4 (MANE Select); coding-DNA position 5397, T replaced by C.
Protein change: p.Thr1799=; no amino-acid change (threonine 1799 retained).
Molecular consequence: synonymous variant. On other transcripts: non-coding transcript variant (1), intron variant (1).
Genome position (GRCh38, 1-based): chr21:33,554,628, T>C. VCF-style: chr21-33554628-T-C. GRCh37 (hg19) VCF-style: chr21-34926934-T-C.
Other names: c.5397T>C, p.Thr1799= (NM_001291411.2, NM_032195.3); c.245-2528T>C (NM_001291412.3).
Identifiers: ClinVar variation 1592953 (VCV001592953.22), dbSNP rs764463365, ClinGen allele CA10009730.

ClinVar aggregate classification (germline): Likely benign. Review status: criteria provided, multiple submitters, no conflicts (2 of 4 stars). 2 submissions from 2 submitters: Likely benign (2). Last evaluated 2025-12-05.

Allele frequency attached by ClinVar (database versions not stated): ExAC 0.00002; gnomAD exomes 0.00002 and 0.00003; TOPMed 0.00005; gnomAD 0.00006.
gnomAD v4.1: 56 of 1,612,738 alleles (0.0035%); highest among the groups gnomAD compares: Admixed American, 0.0067%; no homozygotes.

Submissions (2):

Labcorp Genetics (formerly Invitae), Labcorp
Classification: Likely benign. Last evaluated: 2025-12-05. Review status: criteria provided, single submitter. Criteria: Invitae Variant Classification Sherloc (09022015). Collection method: clinical testing. Allele origin: germline.

CeGaT Center for Human Genetics Tuebingen
Classification: Likely benign. Last evaluated: 2024-10-01. Review status: criteria provided, single submitter. Criteria: CeGaT Center For Human Genetics Tuebingen Variant Classification Criteria Version 2. Collection method: clinical testing. Allele origin: germline. Affected: yes. Observed: 1 variant allele.
Comment: SON: BP4, BP7